The following is an entry in ClinVar:

ClinVar aggregate classification (germline): Uncertain significance (1 of 4 stars; one submission).

Conditions:
Glycine encephalopathy 2 (GCE2). Identifiers: MedGen C5830559, MONDO:0958192, OMIM 620398.

Submission:

Myriad Genetics, Inc.
Classification: Uncertain significance for Glycine encephalopathy 2. Last evaluated: 2026-06-04. Review status: criteria provided, single submitter. Criteria: Myriad Autosomal Dominant, Autosomal Recessive and X-Linked Classification Criteria (2023). Collection method: clinical testing. Allele origin: unknown.
Comment: NM_000481.3(AMT):c.573_623del51ins15(Q192_A208delinsCCVWR) is an in-frame indel classified as a variant of uncertain significance in the context of glycine encephalopathy, AMT-related. Q192_A208delinsCCVWR has not been observed in cases with relevant disease. Relevant functional assessments of this variant are not available in the literature. Q192_A208delinsCCVWR has not been observed in referenced population frequency databases. In summary, there is insufficient evidence to classify NM_000481.3(AMT):c.573_623del51ins15(Q192_A208delinsCCVWR) as pathogenic or benign. Please note: this variant was assessed in the context of healthy population screening.

NM_000481.4(AMT):c.573_623delinsGTGCTGTGTTTGGCG (p.Gln192_Ala208delinsCysCysValTrpArg)

Gene: AMT (aminomethyltransferase; minus strand). Cytogenetic location: 3p21.31.
Variant type: Indel.
Coding change: c.573_623delinsGTGCTGTGTTTGGCG on transcript NM_000481.4 (MANE Select); coding-DNA positions 573 to 623, the reference bases replaced by GTGCTGTGTTTGGCG.
Protein change: p.Gln192_Ala208delinsCysCysValTrpArg.
Molecular consequence: inframe indel. On other transcripts: non-coding transcript variant (1).
Genome position (GRCh38, 1-based): chr3:49,419,333-49,419,383, 51 bases replaced. GRCh37 (hg19): chr3:49,456,766-49,456,816.
Other names: c.441_491delinsGTGCTGTGTTTGGCG, p.Gln148_Ala164delinsCysCysValTrpArg (NM_001164710.2); c.405_455delinsGTGCTGTGTTTGGCG, p.Gln136_Ala152delinsCysCysValTrpArg (NM_001164711.2); c.573_623delinsGTGCTGTGTTTGGCG, p.Gln192_Ala208delinsCysCysValTrpArg (NM_001164712.2).
Identifiers: ClinVar variation 5003754 (VCV005003754.1).